The following is an entry in ClinVar:

ClinVar aggregate classification (germline): Uncertain significance. Review status: criteria provided, multiple submitters, no conflicts (2 of 4 stars). 3 submissions from 3 submitters: Uncertain significance (2). 1 of the submissions does not count toward it. Last evaluated 2024-10-15.

Conditions:
Inborn genetic diseases. Identifiers: MedGen C0950123, MeSH D030342.
Retinitis pigmentosa 25 (RP25). Identifiers: Orphanet 791, MedGen C1864446, MONDO:0011272, OMIM 602772.

Allele frequency attached by ClinVar (database versions not stated): gnomAD exomes 0.00001 and 0.00016; gnomAD 0.00006; TOPMed 0.00007.
gnomAD v4.1: 226 of 1,550,642 alleles (0.015%); highest among the groups gnomAD compares: Non-Finnish European, 0.019%; no homozygotes.

Submissions (3):

Labcorp Genetics (formerly Invitae), Labcorp
Classification: Uncertain significance. Last evaluated: 2024-10-15. Review status: criteria provided, single submitter. Criteria: Invitae Variant Classification Sherloc (09022015). Collection method: clinical testing. Allele origin: germline.
Comment: This sequence change replaces serine, which is neutral and polar, with phenylalanine, which is neutral and non-polar, at codon 651 of the EYS protein (p.Ser651Phe). This variant is present in population databases (no rsID available, gnomAD 0.004%). This variant has not been reported in the literature in individuals affected with EYS-related conditions. ClinVar contains an entry for this variant (Variation ID: 966459). Invitae Evidence Modeling of protein sequence and biophysical properties (such as structural, functional, and spatial information, amino acid conservation, physicochemical variation, residue mobility, and thermodynamic stability) indicates that this missense variant is not expected to disrupt EYS protein function with a negative predictive value of 80%. In summary, the available evidence is currently insufficient to determine the role of this variant in disease. Therefore, it has been classified as a Variant of Uncertain Significance.

Ambry Genetics
Classification: Uncertain significance for Inborn genetic diseases. Last evaluated: 2024-03-19. Review status: criteria provided, single submitter. Criteria: Ambry Variant Classification Scheme 2023. Collection method: clinical testing. Allele origin: germline.

Natera, Inc.
Classification: Uncertain significance for Retinitis pigmentosa type 25. Last evaluated: 2020-06-21. Review status: no assertion criteria provided. Collection method: clinical testing. Allele origin: germline. Not counted in ClinVar's aggregate classification.

NM_001142800.2(EYS):c.1952C>T (p.Ser651Phe)

Gene: EYS (eyes shut homolog; minus strand). Cytogenetic location: 6q12.
Variant type: single nucleotide variant.
Coding change: c.1952C>T on transcript NM_001142800.2 (MANE Select); coding-DNA position 1952, C replaced by T.
Protein change: p.Ser651Phe; replaces serine 651 with phenylalanine.
Molecular consequence: missense variant.
Genome position (GRCh38, 1-based): chr6:65,295,934, G>A on the plus strand (C>T on the coding strand, the complement: EYS is on the minus strand). VCF-style: chr6-65295934-G-A. GRCh37 (hg19) VCF-style: chr6-66005827-G-A.
Other names: c.1952C>T, p.Ser651Phe (NM_001292009.2); short protein forms S651F.
Identifiers: ClinVar variation 966459 (VCV000966459.8), dbSNP rs940468386, ClinGen allele CA139803938.